The following is an entry in ClinVar:

NM_033026.6(PCLO):c.7162G>A (p.Ala2388Thr)

Gene: PCLO (piccolo presynaptic cytomatrix protein; minus strand). Cytogenetic location: 7q21.11.
Variant type: single nucleotide variant.
Coding change: c.7162G>A on transcript NM_033026.6 (MANE Select); coding-DNA position 7162, G replaced by A.
Protein change: p.Ala2388Thr; replaces alanine 2388 with threonine.
Molecular consequence: missense variant.
Genome position (GRCh38, 1-based): chr7:82,953,791, C>T on the plus strand (G>A on the coding strand, the complement: PCLO is on the minus strand). VCF-style: chr7-82953791-C-T. GRCh37 (hg19) VCF-style: chr7-82583107-C-T.
Other names: c.7162G>A (NM_033026.5); c.7162G>A, p.Ala2388Thr (NM_014510.3); short protein forms A2388T.
Identifiers: ClinVar variation 1450770 (VCV001450770.11), dbSNP rs372868247, ClinGen allele CA4320353.

ClinVar aggregate classification (germline): Conflicting classifications of pathogenicity. Review status: criteria provided, conflicting classifications (1 of 4 stars). 2 submissions from 2 submitters: Uncertain significance (1); Likely benign (1). Last evaluated 2024-06-21.

Conditions:
Inborn genetic diseases. Identifiers: MedGen C0950123, MeSH D030342.

Allele frequency attached by ClinVar (database versions not stated): gnomAD exomes below 0.00001 and 0.00001; ExAC 0.00002; gnomAD 0.00002 and 0.00017; ESP Exome Variant Server 0.00017; TOPMed 0.00027.
gnomAD v4.1: 31 of 1,594,478 alleles (0.0019%); highest among the groups gnomAD compares: Non-Finnish European, 0.0006%; 1 homozygote.

Submissions (2):

Labcorp Genetics (formerly Invitae), Labcorp
Classification: Uncertain significance. Last evaluated: 2024-06-21. Review status: criteria provided, single submitter. Criteria: Invitae Variant Classification Sherloc (09022015). Collection method: clinical testing. Allele origin: germline.
Comment: This sequence change replaces alanine, which is neutral and non-polar, with threonine, which is neutral and polar, at codon 2388 of the PCLO protein (p.Ala2388Thr). This variant is present in population databases (rs372868247, gnomAD 0.002%). This variant has not been reported in the literature in individuals affected with PCLO-related conditions. ClinVar contains an entry for this variant (Variation ID: 1450770). Algorithms developed to predict the effect of missense changes on protein structure and function output the following: SIFT: "Not Available"; PolyPhen-2: "Not Available"; Align-GVGD: "Not Available". The threonine amino acid residue is found in multiple mammalian species, which suggests that this missense change does not adversely affect protein function. In summary, the available evidence is currently insufficient to determine the role of this variant in disease. Therefore, it has been classified as a Variant of Uncertain Significance.

Ambry Genetics
Classification: Likely benign for Inborn genetic diseases. Last evaluated: 2022-10-03. Review status: criteria provided, single submitter. Criteria: Ambry Variant Classification Scheme 2023. Collection method: clinical testing. Allele origin: germline.